The following is an entry in ClinVar:

NM_006031.6(PCNT):c.5994+3G>A

Gene: PCNT (pericentrin; plus strand). Cytogenetic location: 21q22.3.
Variant type: single nucleotide variant.
Coding change: c.5994+3G>A on transcript NM_006031.6 (MANE Select); 3 bases into the intron after coding-DNA position 5994, G replaced by A.
Molecular consequence: intron variant.
Genome position (GRCh38, 1-based): chr21:46,412,070, G>A. VCF-style: chr21-46412070-G-A. GRCh37 (hg19) VCF-style: chr21-47831984-G-A.
Other names: c.5640+3G>A (NM_001315529.2).
Identifiers: ClinVar variation 4977791 (VCV004977791.1).

ClinVar aggregate classification (germline): Likely benign (1 of 4 stars; one submission).

Conditions:
PCNT-related disorder. Also called: PCNT-related condition.

gnomAD v4.1: 10 of 1,605,868 alleles (0.00062%); highest among the groups gnomAD compares: South Asian, 0.0011%; no homozygotes.

Submission:

PreventionGenetics, part of Exact Sciences
Classification: Likely benign for PCNT-related condition. Last evaluated: 2025-09-15. Review status: criteria provided, single submitter. Criteria: ACMG Guidelines, 2015. Collection method: clinical testing. Allele origin: germline.
Comment: This variant is classified as likely benign based on ACMG/AMP sequence variant interpretation guidelines (Richards et al. 2015 PMID: 25741868, with internal and published modifications).